The following is an entry in ClinVar:

NM_001270508.2(TNFAIP3):c.1321G>A (p.Glu441Lys)

Gene: TNFAIP3 (TNF alpha induced protein 3; plus strand). Cytogenetic location: 6q23.3.
Variant type: single nucleotide variant.
Coding change: c.1321G>A on transcript NM_001270508.2 (MANE Select); coding-DNA position 1321, G replaced by A.
Protein change: p.Glu441Lys; replaces glutamic acid 441 with lysine.
Molecular consequence: missense variant.
Genome position (GRCh38, 1-based): chr6:137,878,766, G>A. VCF-style: chr6-137878766-G-A. GRCh37 (hg19) VCF-style: chr6-138199903-G-A.
Other names: c.1321G>A, p.Glu441Lys (NM_001270507.2, NM_006290.4); c.1321G>A (NM_006290.2); short protein forms E441K.
Identifiers: ClinVar variation 2177228 (VCV002177228.5), dbSNP rs777740990, ClinGen allele CA4019618.
Genomic context (GRCh38, chr6:137,878,766, plus strand): 5'-CTGAACTCCAAGCCGGGCCCTGAGGGGCTCCCTGGCATGGCGCTCGGGGCCTCTCGGGGA[G>A]AAGCCTATGAGCCCTTGGCGTGGAACCCTGAGGAGTCCACTGGGGGGCCTCATTCGGCCC-3'
Protein context (NP_001257437.1, residues 431-451): PGMALGASRG[Glu441Lys]AYEPLAWNPE

ClinVar aggregate classification (germline): Uncertain significance. Review status: criteria provided, multiple submitters, no conflicts (2 of 4 stars). 2 submissions from 2 submitters: Uncertain significance (2). Last evaluated 2023-11-17.

Conditions:
Inborn genetic diseases. Identifiers: MedGen C0950123, MeSH D030342.

Allele frequency attached by ClinVar (database versions not stated): gnomAD exomes below 0.00001; TOPMed 0.00002; gnomAD 0.00003; ExAC 0.00004.
gnomAD v4.1: 8 of 1,613,854 alleles (0.0005%); highest among the groups gnomAD compares: African/African-American, 0.0093%; no homozygotes.

Submissions (2):

Ambry Genetics
Classification: Uncertain significance for Inborn genetic diseases. Last evaluated: 2023-11-17. Review status: criteria provided, single submitter. Criteria: Ambry Variant Classification Scheme 2023. Collection method: clinical testing. Allele origin: germline.

Labcorp Genetics (formerly Invitae), Labcorp
Classification: Uncertain significance. Last evaluated: 2023-08-04. Review status: criteria provided, single submitter. Criteria: Invitae Variant Classification Sherloc (09022015). Collection method: clinical testing. Allele origin: germline.
Comment: In summary, the available evidence is currently insufficient to determine the role of this variant in disease. Therefore, it has been classified as a Variant of Uncertain Significance. Advanced modeling of protein sequence and biophysical properties (such as structural, functional, and spatial information, amino acid conservation, physicochemical variation, residue mobility, and thermodynamic stability) performed at Invitae indicates that this missense variant is not expected to disrupt TNFAIP3 protein function. ClinVar contains an entry for this variant (Variation ID: 2177228). This variant has not been reported in the literature in individuals affected with TNFAIP3-related conditions. The frequency data for this variant in the population databases is considered unreliable, as metrics indicate poor data quality at this position in the gnomAD database. This sequence change replaces glutamic acid, which is acidic and polar, with lysine, which is basic and polar, at codon 441 of the TNFAIP3 protein (p.Glu441Lys).